The following is an entry in ClinVar:

NM_000393.5(COL5A2):c.490C>T (p.Pro164Ser)

Gene: COL5A2 (collagen type V alpha 2 chain; minus strand). Cytogenetic location: 2q32.2.
Variant type: single nucleotide variant.
Coding change: c.490C>T on transcript NM_000393.5 (MANE Select); coding-DNA position 490, C replaced by T.
Protein change: p.Pro164Ser; replaces proline 164 with serine.
Molecular consequence: missense variant.
Genome position (GRCh38, 1-based): chr2:189,092,387, G>A on the plus strand (C>T on the coding strand, the complement: COL5A2 is on the minus strand). VCF-style: chr2-189092387-G-A. GRCh37 (hg19) VCF-style: chr2-189957113-G-A.
Other names: short protein forms P164S.
Identifiers: ClinVar variation 5034835 (VCV005034835.1).

ClinVar aggregate classification (germline): Uncertain significance (1 of 4 stars; one submission).

Conditions:
Familial thoracic aortic aneurysm and aortic dissection (TAAD). Also called: Thoracic aortic aneurysms and dissections. Identifiers: Orphanet 91387, MedGen C4707243, MONDO:0019625.

Submission:

Ambry Genetics
Classification: Uncertain significance for Familial thoracic aortic aneurysm and aortic dissection. Last evaluated: 2026-07-26. Review status: criteria provided, single submitter. Criteria: Ambry Variant Classification Scheme 2023. Collection method: clinical testing. Allele origin: germline.
Comment: The p.P164S variant (also known as c.490C>T), located in coding exon 7 of the COL5A2 gene, results from a C to T substitution at nucleotide position 490. The proline at codon 164 is replaced by serine, an amino acid with similar properties. This amino acid position is conserved. In addition, the in silico prediction for this alteration is inconclusive. Based on the available evidence, the clinical significance of this variant remains unclear.